The following is an entry in ClinVar:

ClinVar aggregate classification (germline): Likely pathogenic (1 of 4 stars; one submission).

Conditions:
Restrictive dermopathy 1 (RSDM1). Also called: FETAL HYPOKINESIA SEQUENCE DUE TO RESTRICTIVE DERMOPATHY; HYPERKERATOSIS-CONTRACTURE SYNDROME; RESTRICTIVE DERMOPATHY 1, LETHAL. Identifiers: MedGen C5676878, MONDO:0800042, OMIM 275210.
Mandibuloacral dysplasia with type B lipodystrophy (MADB). Also called: LIPODYSTROPHY, TYPE B, ASSOCIATED WITH MANDIBULOACRAL DYSPLASIA. Identifiers: Orphanet 2457, Orphanet 90154, MedGen C1837756, MONDO:0012074, OMIM 608612.

Submission:

Juno Genomics, Hangzhou Juno Genomics, Inc
Classification: Likely pathogenic for Mandibuloacral dysplasia with type B lipodystrophy; Restrictive dermopathy 1. Review status: criteria provided, single submitter. Criteria: ACMG Guidelines, 2015. Collection method: clinical testing. Allele origin: germline.
Comment: Null variant in a gene where loss of function (LOF) is a known mechanism of disease.;Absent from controls (or at extremely low frequency if recessive) in Genome Aggregation Database.

NM_005857.5(ZMPSTE24):c.17C>A (p.Ser6Ter)

Genes: ZMPSTE24 (zinc metallopeptidase STE24; plus strand), LOC129930253 (ATAC-STARR-seq lymphoblastoid active region 836; plus strand). Cytogenetic location: 1p34.2.
Variant type: single nucleotide variant.
Coding change: c.17C>A on transcript NM_005857.5 (MANE Select); coding-DNA position 17, C replaced by A.
Protein change: p.Ser6Ter; replaces serine 6 with a stop codon.
Molecular consequence: nonsense.
Genome position (GRCh38, 1-based): chr1:40,258,288, C>A. VCF-style: chr1-40258288-C-A. GRCh37 (hg19) VCF-style: chr1-40723960-C-A.
Other names: short protein forms S6*.
Identifiers: ClinVar variation 5006541 (VCV005006541.2).